The following is an entry in ClinVar:

ClinVar aggregate classification (germline): Likely benign (1 of 4 stars; one submission).

gnomAD v4.1: 3 of 1,399,432 alleles (0.00021%); highest among the groups gnomAD compares: Non-Finnish European, 0.00019%; no homozygotes.

Submission:

CeGaT Center for Human Genetics Tuebingen
Classification: Likely benign. Last evaluated: 2025-09-01. Review status: criteria provided, single submitter. Criteria: CeGaT Center For Human Genetics Tuebingen Variant Classification Criteria Version 2. Collection method: clinical testing. Allele origin: germline. Affected: yes. Observed: 1 variant allele.
Comment: LGI3: BP4, BP7

NM_139278.4(LGI3):c.36G>A (p.Pro12=)

Gene: LGI3 (leucine rich repeat LGI family member 3; minus strand). Cytogenetic location: 8p21.3.
Variant type: single nucleotide variant.
Coding change: c.36G>A on transcript NM_139278.4 (MANE Select); coding-DNA position 36, G replaced by A.
Protein change: p.Pro12=; no amino-acid change (proline 12 retained).
Molecular consequence: synonymous variant.
Genome position (GRCh38, 1-based): chr8:22,156,507, C>T on the plus strand (G>A on the coding strand, the complement: LGI3 is on the minus strand). VCF-style: chr8-22156507-C-T. GRCh37 (hg19) VCF-style: chr8-22014020-C-T.
Identifiers: ClinVar variation 4280916 (VCV004280916.7).
Genomic context (GRCh38, chr8:22,156,507, plus strand): 5'-CCTCTTAGCGCTGACTTGCAGCATGAGGCAGAAGCCGAGCGCGGAGAGCGCCAGCAGCCC[C>T]GGCCCCGGGCCCCCCCTGGCCCGCAGCCCCGCCATGCTGCCCGCGATCTCTCCCTGGGGC-3'
Protein context (NP_644807.1, residues 2-22): AGLRARGGPG[Pro12=]GLLALSALGF